The following is an entry in ClinVar:

NM_021813.4(BACH2):c.736TCA[1] (p.Ser247del)

Gene: BACH2 (BACH transcriptional regulator 2; minus strand). Cytogenetic location: 6q15.
Variant type: Microsatellite.
Coding change: c.736TCA[1] on transcript NM_021813.4 (MANE Select); one copy of the 3-base unit TCA starting at c.736; the reference has two copies in a row; one copy, 3 bases deleted.
Protein change: p.Ser247del; deletes serine 247.
Molecular consequence: inframe deletion.
Genome position (GRCh38, 1-based): chr6:89,951,365-89,951,367, TGA deleted on the plus strand (TCA on the coding strand, the reverse complement: BACH2 is on the minus strand); deleting any 3 consecutive bases within chr6:89,951,365-89,951,372 gives the same sequence; the position shown is the placement nearest the transcript's 3' end. VCF-style (leftmost placement, unchanged base first): chr6-89951364-GTGA-G. GRCh37 (hg19) VCF-style: chr6-90661083-GTGA-G.
Other names: c.736TCA[1], p.Ser247del (NM_001170794.2); short protein forms S247del.
Identifiers: ClinVar variation 2756752 (VCV002756752.3), dbSNP rs2533567328, ClinGen allele CA2697553606.
Genomic context (GRCh38, chr6:89,951,364, plus strand): 5'-GCTTGAGGCTGTTGCTAGAGTTATCTTCCCGGAATGTGCTTGCAAAACCTGAGGTACTGT[GTGA>G]TGATGCATTATAGACATTCTTGGTACATGCAAGCTGGTATTTCTTGTATCTGGGGTACTG-3'

ClinVar aggregate classification (germline): Uncertain significance (1 of 4 stars; one submission).

Submission:

Labcorp Genetics (formerly Invitae), Labcorp
Classification: Uncertain significance. Last evaluated: 2023-08-30. Review status: criteria provided, single submitter. Criteria: Invitae Variant Classification Sherloc (09022015). Collection method: clinical testing. Allele origin: germline.
Comment: This variant, c.739_741del, results in the deletion of 1 amino acid(s) of the BACH2 protein (p.Ser247del), but otherwise preserves the integrity of the reading frame. In summary, the available evidence is currently insufficient to determine the role of this variant in disease. Therefore, it has been classified as a Variant of Uncertain Significance. Experimental studies and prediction algorithms are not available or were not evaluated, and the functional significance of this variant is currently unknown. This variant has not been reported in the literature in individuals affected with BACH2-related conditions. This variant is not present in population databases (gnomAD no frequency).